The following is an entry in ClinVar:

ClinVar aggregate classification (germline): Likely benign (1 of 4 stars; one submission).

Allele frequency attached by ClinVar (database versions not stated): 1000 Genomes Project 30x 0.00062; 1000 Genomes Project 0.00080; ExAC 0.00081; gnomAD 0.00087; ESP Exome Variant Server 0.00092; TOPMed 0.00092.
gnomAD v4.1: 1,664 of 1,602,322 alleles (0.1%); highest among the groups gnomAD compares: Non-Finnish European, 0.13%; no homozygotes.

Submission:

CeGaT Center for Human Genetics Tuebingen
Classification: Likely benign. Last evaluated: 2024-01-01. Review status: criteria provided, single submitter. Criteria: CeGaT Center For Human Genetics Tuebingen Variant Classification Criteria Version 2. Collection method: clinical testing. Allele origin: germline. Affected: yes. Observed: 1 variant allele.
Comment: SLC9C1: BP4, BP7

NM_183061.3(SLC9C1):c.1080T>C (p.Ser360=)

Gene: SLC9C1 (solute carrier family 9 member C1; minus strand). Cytogenetic location: 3q13.2.
Variant type: single nucleotide variant.
Coding change: c.1080T>C on transcript NM_183061.3 (MANE Select); coding-DNA position 1080, T replaced by C.
Protein change: p.Ser360=; no amino-acid change (serine 360 retained).
Molecular consequence: synonymous variant.
Genome position (GRCh38, 1-based): chr3:112,263,041, A>G on the plus strand (T>C on the coding strand, the complement: SLC9C1 is on the minus strand). VCF-style: chr3-112263041-A-G. GRCh37 (hg19) VCF-style: chr3-111981888-A-G.
Other names: c.936T>C, p.Ser312= (NM_001320531.2).
Identifiers: ClinVar variation 3024744 (VCV003024744.22), dbSNP rs143138818, ClinGen allele CA2538662.